The following is an entry in ClinVar:

NM_015271.5(TRIM2):c.2006dup (p.His669fs)

Gene: TRIM2 (tripartite motif containing 2; plus strand). Cytogenetic location: 4q31.3.
Variant type: Duplication.
Coding change: c.2006dup on transcript NM_015271.5 (MANE Select); coding-DNA position 2006, one base duplicated (A; older notation c.2006dupA).
Protein change: p.His669fs; shifts the reading frame from histidine 669.
Molecular consequence: frameshift variant.
Genome position (GRCh38, 1-based): chr4:153,324,132, A duplicated. VCF-style (leftmost placement, unchanged base first): chr4-153324131-C-CA. GRCh37 (hg19) VCF-style: chr4-154245283-C-CA.
Other names: c.1667dup, p.His556fs (NM_001375525.1, NM_001375522.1, NM_001375523.1); c.1925dup, p.His642fs (NM_001130067.2, NM_001375512.1, NM_001375513.1 and 4 more transcripts); c.1991dup, p.His664fs (NM_001351054.2); c.1988dup, p.His663fs (NM_001351055.2); c.1937dup, p.His646fs (NM_001351056.2); c.1550dup, p.His517fs (NM_001351057.2); c.2099dup, p.His700fs (NM_001375488.1); c.2096dup, p.His699fs (NM_001375489.1); and 4 more; short protein forms H557fs, H646fs, H649fs, H556fs, H558fs, H650fs, H663fs, H664fs.
Identifiers: ClinVar variation 1461944 (VCV001461944.6), dbSNP rs2149564124, ClinGen allele CA2573138138.

ClinVar aggregate classification (germline): Uncertain significance (1 of 4 stars; one submission).

Conditions:
Charcot-Marie-Tooth disease type 2R. Also called: CHARCOT-MARIE-TOOTH DISEASE, AXONAL, AUTOSOMAL RECESSIVE, TYPE 2R; Charcot-Marie-Tooth disease, axonal, type 2R; CHARCOT-MARIE-TOOTH NEUROPATHY, TYPE 2R. Identifiers: Orphanet 397968, MedGen C3809655, MONDO:0014208, OMIM 615490.

Submission:

Labcorp Genetics (formerly Invitae), Labcorp
Classification: Uncertain significance for Charcot-Marie-Tooth disease type 2R. Last evaluated: 2020-12-23. Review status: criteria provided, single submitter. Criteria: Invitae Variant Classification Sherloc (09022015). Collection method: clinical testing. Allele origin: germline.
Comment: In summary, the available evidence is currently insufficient to determine the role of this variant in disease. Therefore, it has been classified as a Variant of Uncertain Significance. This variant has not been reported in the literature in individuals with TRIM2-related conditions. This variant is not present in population databases (ExAC no frequency). This sequence change creates a premature translational stop signal (p.His642Glnfs*2) in the TRIM2 gene. It is expected to result in an absent or disrupted protein product. However, the current clinical and genetic evidence is not sufficient to establish whether loss-of-function variants in TRIM2 cause disease.